The following is an entry in ClinVar:

NM_016030.6(TRAPPC12):c.1612C>T (p.Arg538Trp)

Gene: TRAPPC12 (trafficking protein particle complex subunit 12; plus strand). Cytogenetic location: 2p25.3.
Variant type: single nucleotide variant.
Coding change: c.1612C>T on transcript NM_016030.6 (MANE Select); coding-DNA position 1612, C replaced by T.
Protein change: p.Arg538Trp; replaces arginine 538 with tryptophan.
Molecular consequence: missense variant.
Genome position (GRCh38, 1-based): chr2:3,460,271, C>T. VCF-style: chr2-3460271-C-T. GRCh37 (hg19) VCF-style: chr2-3464042-C-T.
Other names: c.1612C>T, p.Arg538Trp (NM_001321102.2); short protein forms R538W.
Identifiers: ClinVar variation 1441348 (VCV001441348.5), dbSNP rs547696140, ClinGen allele CA1515540.

ClinVar aggregate classification (germline): Uncertain significance (1 of 4 stars; one submission).

Allele frequency attached by ClinVar (database versions not stated): TOPMed below 0.00001; gnomAD 0.00001 and 0.00002; gnomAD exomes 0.00001 and 0.00002; ExAC 0.00002; 1000 Genomes Project 0.00020; 1000 Genomes Project 30x 0.00031.

Submission:

Labcorp Genetics (formerly Invitae), Labcorp
Classification: Uncertain significance. Last evaluated: 2022-07-06. Review status: criteria provided, single submitter. Criteria: Invitae Variant Classification Sherloc (09022015). Collection method: clinical testing. Allele origin: germline.
Comment: This sequence change replaces arginine, which is basic and polar, with tryptophan, which is neutral and slightly polar, at codon 538 of the TRAPPC12 protein (p.Arg538Trp). This variant is present in population databases (rs547696140, gnomAD 0.01%). This variant has not been reported in the literature in individuals affected with TRAPPC12-related conditions. ClinVar contains an entry for this variant (Variation ID: 1441348). Algorithms developed to predict the effect of missense changes on protein structure and function are either unavailable or do not agree on the potential impact of this missense change (SIFT: "Not Available"; PolyPhen-2: "Possibly Damaging"; Align-GVGD: "Not Available"). Algorithms developed to predict the effect of sequence changes on RNA splicing suggest that this variant may disrupt the consensus splice site. In summary, the available evidence is currently insufficient to determine the role of this variant in disease. Therefore, it has been classified as a Variant of Uncertain Significance.